The following is an entry in ClinVar:

NM_198253.3(TERT):c.1639T>G (p.Trp547Gly)

Gene: TERT (telomerase reverse transcriptase; minus strand). Cytogenetic location: 5p15.33.
Variant type: single nucleotide variant.
Coding change: c.1639T>G on transcript NM_198253.3 (MANE Select); coding-DNA position 1639, T replaced by G.
Protein change: p.Trp547Gly; replaces tryptophan 547 with glycine.
Molecular consequence: missense variant. On other transcripts: non-coding transcript variant (2).
Genome position (GRCh38, 1-based): chr5:1,282,559, A>C on the plus strand (T>G on the coding strand, the complement: TERT is on the minus strand). VCF-style: chr5-1282559-A-C. GRCh37 (hg19) VCF-style: chr5-1282674-A-C.
Other names: c.1639T>G, p.Trp547Gly (NM_001193376.3); short protein forms W547G.
Identifiers: ClinVar variation 970903 (VCV000970903.7), dbSNP rs1223467172, ClinGen allele CA359083291.
Genomic context (GRCh38, chr5:1,282,559, plus strand): 5'-TGGTCTCCGTGACATAAAAGAAAGACCTGAGCAGCTCGACGACGTACACACTCATCAGCC[A>C]GTGCAGGAACTTGGCCAGGATCTCCTCACGCAGACGGTGCTCTGCGGCCGGAACACAGCC-3'
Protein context (NP_937983.2, residues 537-557): REEILAKFLH[Trp547Gly]LMSVYVVELL

ClinVar aggregate classification (germline): Uncertain significance. Review status: criteria provided, multiple submitters, no conflicts (2 of 4 stars). 2 submissions from 2 submitters: Uncertain significance (2). Last evaluated 2025-11-17.

Conditions:
Dyskeratosis congenita, autosomal dominant 2. Identifiers: MedGen C3151443, MONDO:0013521, OMIM 613989.
Interstitial lung disease 2 (ILD2). Also called: Familial idiopathic pulmonary fibrosis; FIBROCYSTIC PULMONARY DYSPLASIA; FIBROSING ALVEOLITIS, CRYPTOGENIC. Identifiers: Orphanet 2032, Orphanet 79126, MedGen C5561926, MONDO:0800497, OMIM 178500, MONDO:0800029.

Allele frequency attached by ClinVar (database versions not stated): TOPMed 0.00001.

Submissions (2):

Dasa
Classification: Uncertain significance. Last evaluated: 2025-11-17. Review status: criteria provided, single submitter. Criteria: DASA Assertion Criteria. Collection method: clinical testing. Allele origin: germline.
Comment: NM_198253.3(TERT):c.1639T>G (p.Trp547Gly) is a missense variant that results in the substitution of tryptophan with glycine. This variant is absent from population databases. Computational prediction algorithms are consistent with a deleterious effect. The currently available literature and clinical evidence are not sufficient to establish a definitive association between this variant and the reported condition. Therefore, this variant is classified as a variant of uncertain significance.

Labcorp Genetics (formerly Invitae), Labcorp
Classification: Uncertain significance for Dyskeratosis congenita, autosomal dominant 2; Idiopathic Pulmonary Fibrosis. Last evaluated: 2021-08-26. Review status: criteria provided, single submitter. Criteria: Invitae Variant Classification Sherloc (09022015). Collection method: clinical testing. Allele origin: germline.